The following is an entry in ClinVar:

NM_006306.4(SMC1A):c.2873A>G (p.Gln958Arg)

Gene: SMC1A (structural maintenance of chromosomes 1A; minus strand). Cytogenetic location: Xp11.22.
Variant type: single nucleotide variant.
Coding change: c.2873A>G on transcript NM_006306.4 (MANE Select); coding-DNA position 2873, A replaced by G.
Protein change: p.Gln958Arg; replaces glutamine 958 with arginine.
Molecular consequence: missense variant.
Genome position (GRCh38, 1-based): chrX:53,394,878, T>C on the plus strand (A>G on the coding strand, the complement: SMC1A is on the minus strand). VCF-style: chrX-53394878-T-C. GRCh37 (hg19) VCF-style: chrX-53421798-T-C.
Other names: c.2807A>G, p.Gln936Arg (NM_001281463.1); short protein forms Q936R, Q958R.
Identifiers: ClinVar variation 1678620 (VCV001678620.2), dbSNP rs1253991330, ClinGen allele CA413247570.
Genomic context (GRCh38, chrX:53,394,878, plus strand): 5'-AGGGCCTCTCGTGCATAGATACTGGAAATTCTCTGTGAACCACTCACTGAGTCCTCCCCC[T>C]GGGAGCTACCCTGCAATGGCAACGGAGAGTCAAGTGGAGCAGACTGGCCATGAGAGTGCA-3'
Protein context (NP_006297.2, residues 948-968): DDISQEEGSS[Gln958Arg]GEDSVSGSQR

ClinVar aggregate classification (germline): Uncertain significance (1 of 4 stars; one submission).

Conditions:
Congenital muscular hypertrophy-cerebral syndrome (CDLS2). Also called: Cornelia de Lange syndrome 2; SMC1A-Related Cornelia de Lange Syndrome. Identifiers: Orphanet 199, MedGen C1802395, MONDO:0010370, OMIM 300590.

Submission:

Molecular Genetics, Royal Melbourne Hospital
Classification: Uncertain significance for Congenital muscular hypertrophy-cerebral syndrome. Last evaluated: 2023-03-30. Review status: criteria provided, single submitter. Criteria: ACMG Guidelines, 2015. Collection method: clinical testing. Allele origin: germline. Affected: yes.
Comment: This sequence change is predicted to replace glutamine with arginine at codon 958 of the SMC1A protein (p.(Gln958Arg)). The glutamine residue is invariant across species (100 vertebrates, UCSC), and is a critical residue in an ATM kinase substrate motif adjacent to an established phosphoserine in the N terminal domain (PM1; PMID: 11877377, 16273072). There is a small physicochemical difference between glutamine and arginine. The variant is absent in a large population cohort (PM2; gnomAD v2.1, v3.0), and has not been reported in the relevant medical literature or databases. Multiple lines of computational evidence predict a benign effect for the missense substitution (5/6 algorithms), but the gene is highly missense-constrained. Based on the classification scheme RMH ACMG Guidelines v1.2.1, this variant is classified as a VARIANT OF UNCERTAIN SIGNIFICANCE. Following criteria are met: PM1, PM2.

Literature cited by the submitters: PubMed 11877377; PubMed 16273072.